The following is an entry in ClinVar:

ClinVar aggregate classification (germline): Conflicting classifications of pathogenicity. Review status: criteria provided, conflicting classifications (1 of 4 stars). 3 submissions from 3 submitters: Uncertain significance (2); Likely benign (1). Last evaluated 2026-04-28.

Conditions:
Hereditary breast ovarian cancer syndrome. Also called: Hereditary breast and ovarian cancer; Breast and ovarian cancer; Hereditary breast and/or ovarian cancer syndrome; Hereditary breast and ovarian cancer syndrome; Hereditary breast and ovarian cancer syndrome (HBOC); BRCA1- and BRCA2-Associated Hereditary Breast and Ovarian Cancer. Identifiers: Orphanet 145, MedGen C0677776, MeSH D061325, MONDO:0003582. Disease mechanism: loss of function.
Hereditary cancer-predisposing syndrome. Also called: Tumor predisposition; Neoplastic Syndromes, Hereditary; Hereditary Cancer Syndrome; Hereditary neoplastic syndrome. Identifiers: Orphanet 140162, MedGen C0027672, MeSH D009386, MONDO:0015356.

Allele frequency attached by ClinVar (database versions not stated): gnomAD exomes below 0.00001.
gnomAD v4.1: 1 of 1,614,102 alleles (0.000062%); highest among the groups gnomAD compares: Non-Finnish European, 0.000085%; no homozygotes.

Submissions (3):

Ambry Genetics
Classification: Uncertain significance for Hereditary cancer-predisposing syndrome. Last evaluated: 2026-04-28. Review status: criteria provided, single submitter. Criteria: Ambry Variant Classification Scheme 2023. Collection method: clinical testing. Allele origin: germline.
Comment: The p.N1169H variant (also known as c.3505A>C), located in coding exon 10 of the BRCA2 gene, results from an A to C substitution at nucleotide position 3505. The asparagine at codon 1169 is replaced by histidine, an amino acid with similar properties. This amino acid position is conserved. In addition, this alteration is predicted to be tolerated by in silico analysis. Based on the available evidence, the clinical significance of this variant remains unclear.

University of Washington Department of Laboratory Medicine, University of Washington
Classification: Likely benign for Hereditary cancer-predisposing syndrome. Last evaluated: 2023-03-23. Review status: criteria provided, single submitter. Criteria: Dines et al. (Genet Med. 2020). Collection method: curation. Allele origin: germline.
Comment: Missense variant in a coldspot region where missense variants are very unlikely to be pathogenic (PMID:31911673).

BRCA2 exon 11 coldspot. Reclassification based on statistical prior probability.

Labcorp Genetics (formerly Invitae), Labcorp
Classification: Uncertain significance for Hereditary breast ovarian cancer syndrome. Last evaluated: 2021-05-17. Review status: criteria provided, single submitter. Criteria: Invitae Variant Classification Sherloc (09022015). Collection method: clinical testing. Allele origin: germline.
Comment: This sequence change replaces asparagine with histidine at codon 1169 of the BRCA2 protein (p.Asn1169His). The asparagine residue is moderately conserved and there is a small physicochemical difference between asparagine and histidine. This variant is not present in population databases (ExAC no frequency). This variant has not been reported in the literature in individuals with BRCA2-related conditions. Advanced modeling of protein sequence and biophysical properties (such as structural, functional, and spatial information, amino acid conservation, physicochemical variation, residue mobility, and thermodynamic stability) performed at Invitae indicates that this missense variant is not expected to disrupt BRCA2 protein function. In summary, the available evidence is currently insufficient to determine the role of this variant in disease. Therefore, it has been classified as a Variant of Uncertain Significance.

NM_000059.4(BRCA2):c.3505A>C (p.Asn1169His)

Gene: BRCA2 (BRCA2 DNA repair associated; plus strand). Cytogenetic location: 13q13.1.
Variant type: single nucleotide variant.
Coding change: c.3505A>C on transcript NM_000059.4 (MANE Select); coding-DNA position 3505, A replaced by C.
Protein change: p.Asn1169His; replaces asparagine 1169 with histidine.
Molecular consequence: missense variant.
Genome position (GRCh38, 1-based): chr13:32,337,860, A>C. VCF-style: chr13-32337860-A-C. GRCh37 (hg19) VCF-style: chr13-32911997-A-C.
Other names: c.3505A>C (NM_000059.3); short protein forms N1169H.
Identifiers: ClinVar variation 1506271 (VCV001506271.10), dbSNP rs2137497330, ClinGen allele CA387776968.